The following is an entry in ClinVar:

ClinVar aggregate classification (germline): Uncertain significance (1 of 4 stars; one submission).

Submission:

Labcorp Genetics (formerly Invitae), Labcorp
Classification: Uncertain significance. Last evaluated: 2025-02-20. Review status: criteria provided, single submitter. Criteria: Invitae Variant Classification Sherloc (09022015). Collection method: clinical testing. Allele origin: germline.
Comment: This sequence change replaces proline, which is neutral and non-polar, with histidine, which is basic and polar, at codon 340 of the ADGRB2 protein (p.Pro340His). This variant is present in population databases (rs146816893, gnomAD 0.02%). This variant has not been reported in the literature in individuals affected with ADGRB2-related conditions. An algorithm developed to predict the effect of missense changes on protein structure and function (PolyPhen-2) suggests that this variant is likely to be disruptive. In summary, the available evidence is currently insufficient to determine the role of this variant in disease. Therefore, it has been classified as a Variant of Uncertain Significance.

NM_001364857.2(ADGRB2):c.1019C>A (p.Pro340His)

Gene: ADGRB2 (adhesion G protein-coupled receptor B2; minus strand). Cytogenetic location: 1p35.2.
Variant type: single nucleotide variant.
Coding change: c.1019C>A on transcript NM_001364857.2 (MANE Select); coding-DNA position 1019, C replaced by A.
Protein change: p.Pro340His; replaces proline 340 with histidine.
Molecular consequence: missense variant.
Genome position (GRCh38, 1-based): chr1:31,744,261, G>T on the plus strand (C>A on the coding strand, the complement: ADGRB2 is on the minus strand). VCF-style: chr1-31744261-G-T. GRCh37 (hg19) VCF-style: chr1-32209862-G-T.
Other names: c.1019C>A, p.Pro340His (NM_001294335.2, NM_001294336.2); short protein forms P340H.
Identifiers: ClinVar variation 4751259 (VCV004751259.1).